The following is an entry in ClinVar:

ClinVar aggregate classification (germline): Uncertain significance (1 of 4 stars; one submission).

Conditions:
Fanconi anemia complementation group J. Also called: BRIP1-Related Fanconi Anemia. Identifiers: Orphanet 84, MedGen C1836860, MONDO:0012187, OMIM 609054.
Familial cancer of breast. Also called: BREAST CANCER, FAMILIAL; hereditary breast carcinoma; Hereditary breast cancer. Identifiers: Orphanet 227535, MedGen C0346153, MONDO:0016419, OMIM 114480. Disease mechanism: loss of function.

Allele frequency attached by ClinVar (database versions not stated): TOPMed below 0.00001.
gnomAD v4.1: 1 of 1,614,008 alleles (0.000062%); highest among the groups gnomAD compares: Non-Finnish European, 0.000085%; no homozygotes.

Submission:

Labcorp Genetics (formerly Invitae), Labcorp
Classification: Uncertain significance for Familial cancer of breast; Fanconi anemia complementation group J. Last evaluated: 2018-06-07. Review status: criteria provided, single submitter. Criteria: Invitae Variant Classification Sherloc (09022015). Collection method: clinical testing. Allele origin: germline.
Comment: This sequence change replaces glutamic acid with lysine at codon 879 of the BRIP1 protein (p.Glu879Lys). The glutamic acid residue is moderately conserved and there is a small physicochemical difference between glutamic acid and lysine. This variant is not present in population databases (ExAC no frequency). This variant has not been reported in the literature in individuals with BRIP1-related disease. Algorithms developed to predict the effect of missense changes on protein structure and function output the following: SIFT: "Tolerated"; PolyPhen-2: "Benign"; Align-GVGD: "Class C0". The lysine amino acid residue is found in multiple mammalian species, suggesting that this missense change does not adversely affect protein function. These predictions have not been confirmed by published functional studies and their clinical significance is uncertain. In summary, the available evidence is currently insufficient to determine the role of this variant in disease. Therefore, it has been classified as a Variant of Uncertain Significance.

NM_032043.3(BRIP1):c.2635G>A (p.Glu879Lys)

Gene: BRIP1 (BRCA1 interacting DNA helicase 1; minus strand). Cytogenetic location: 17q23.2.
Variant type: single nucleotide variant.
Coding change: c.2635G>A on transcript NM_032043.3 (MANE Select); coding-DNA position 2635, G replaced by A.
Protein change: p.Glu879Lys; replaces glutamic acid 879 with lysine.
Molecular consequence: missense variant.
Genome position (GRCh38, 1-based): chr17:61,686,106, C>T on the plus strand (G>A on the coding strand, the complement: BRIP1 is on the minus strand). VCF-style: chr17-61686106-C-T. GRCh37 (hg19) VCF-style: chr17-59763467-C-T.
Other names: short protein forms E879K.
Identifiers: ClinVar variation 570849 (VCV000570849.9), dbSNP rs1391013628, ClinGen allele CA400481898.